The following is an entry in ClinVar:

ClinVar aggregate classification (germline): Pathogenic (1 of 4 stars; one submission).

Conditions:
Inborn genetic diseases. Identifiers: MedGen C0950123, MeSH D030342.

Submission:

Ambry Genetics
Classification: Pathogenic for Inborn genetic diseases. Last evaluated: 2022-05-29. Review status: criteria provided, single submitter. Criteria: Ambry Variant Classification Scheme 2023. Collection method: clinical testing. Allele origin: germline.
Comment: The c.6841_6844delAGAT (p.R2281Sfs*10) alteration, located in exon 18 (coding exon 18) of the ASPM gene, consists of a deletion of 4 nucleotides from position 6841 to 6844, causing a translational frameshift with a predicted alternate stop codon after 10 amino acids. This alteration is expected to result in loss of function by premature protein truncation or nonsense-mediated mRNA decay. This variant was not reported in population-based cohorts in the Genome Aggregation Database (gnomAD). Based on the available evidence, this alteration is classified as pathogenic.

NM_018136.5(ASPM):c.6841_6844del (p.Arg2281fs)

Gene: ASPM (assembly factor for spindle microtubules; minus strand). Cytogenetic location: 1q31.3.
Variant type: Deletion.
Coding change: c.6841_6844del on transcript NM_018136.5 (MANE Select); coding-DNA positions 6841 to 6844, 4 bases deleted (AGAT; older notation c.6841_6844delAGAT).
Protein change: p.Arg2281fs; shifts the reading frame from arginine 2281.
Molecular consequence: frameshift variant. On other transcripts: intron variant (1).
Genome position (GRCh38, 1-based): chr1:197,102,407-197,102,410, ATCT deleted on the plus strand (AGAT on the coding strand, the reverse complement: ASPM is on the minus strand). VCF-style (leftmost placement, unchanged base first): chr1-197102406-AATCT-A. GRCh37 (hg19) VCF-style: chr1-197071536-AATCT-A.
Other names: c.4066-6246_4066-6243del (NM_001206846.2); short protein forms R2281fs.
Identifiers: ClinVar variation 2286135 (VCV002286135.2), dbSNP rs2527295379, ClinGen allele CA2580061829.